The following is an entry in ClinVar:

ClinVar aggregate classification (germline): Benign/Likely benign. Review status: criteria provided, multiple submitters, no conflicts (2 of 4 stars). 16 submissions from 15 submitters: Benign (12); Likely benign (2). 2 of the submissions do not count toward it. Last evaluated 2026-07-01.

Conditions:
Basal cell nevus syndrome 1 (BCNS1). Also called: MULTIPLE BASAL CELL NEVI, ODONTOGENIC KERATOCYSTS, AND SKELETAL ANOMALIES; GORLIN-GOLTZ SYNDROME. Identifiers: MedGen CN376810, MONDO:0958174, OMIM 109400.
Holoprosencephaly 7 (HPE7). Identifiers: Orphanet 2162, MedGen C1835820, MONDO:0012562, OMIM 610828.
Basal cell carcinoma, susceptibility to, 1. Also called: BCC1. Identifiers: MedGen C2751544, MONDO:0011556, OMIM 605462.
Hereditary cancer-predisposing syndrome. Also called: Neoplastic Syndromes, Hereditary; Tumor predisposition; Hereditary neoplastic syndrome; Hereditary Cancer Syndrome. Identifiers: Orphanet 140162, MedGen C0027672, MeSH D009386, MONDO:0015356.
Gorlin syndrome. Also called: Nevoid Basal Cell Carcinoma Syndrome; Basal cell nevus syndrome. Identifiers: Orphanet 377, MedGen C0004779, MONDO:0007187.

Allele frequency attached by ClinVar (database versions not stated): ESP Exome Variant Server 0.00008; gnomAD exomes 0.00038 and 0.00186; gnomAD 0.00076 and 0.00094; TOPMed 0.00097; ExAC 0.00172; 1000 Genomes Project 30x 0.00609; 1000 Genomes Project 0.00679.
gnomAD v4.1: 795 of 1,614,100 alleles (0.049%); highest among the groups gnomAD compares: East Asian, 1.2%; 12 homozygotes.

Submissions (16):

CeGaT Center for Human Genetics Tuebingen
Classification: Likely benign. Last evaluated: 2026-07-01. Review status: criteria provided, single submitter. Criteria: CeGaT Center For Human Genetics Tuebingen Variant Classification Criteria Version 2. Collection method: clinical testing. Allele origin: germline. Affected: yes. Observed: 2 variant alleles.
Comment: PTCH1: BP4, BP7, BS1

Labcorp Genetics (formerly Invitae), Labcorp
Classification: Benign for Gorlin syndrome. Last evaluated: 2026-02-04. Review status: criteria provided, single submitter. Criteria: Invitae Variant Classification Sherloc (09022015). Collection method: clinical testing. Allele origin: germline.

Quest Diagnostics Nichols Institute San Juan Capistrano
Classification: Benign. Last evaluated: 2025-08-16. Review status: criteria provided, single submitter. Criteria: Quest Diagnostics criteria. Collection method: clinical testing. Allele origin: unknown.

Center for Genomic Medicine, Rigshospitalet, Copenhagen University Hospital
Classification: Benign. Last evaluated: 2025-03-04. Review status: criteria provided, single submitter. Criteria: ACMG Guidelines, 2015. Collection method: clinical testing. Allele origin: germline.
Comment: Classification criteria: BA1

ARUP Laboratories, Molecular Genetics and Genomics, ARUP Laboratories
Classification: Benign. Last evaluated: 2024-12-10. Review status: criteria provided, single submitter. Criteria: ARUP Molecular Germline Variant Investigation Process 2024. Collection method: clinical testing. Allele origin: germline.

Department of Pathology and Laboratory Medicine, Sinai Health System
Classification: Benign for Basal cell nevus syndrome 1; Basal cell carcinoma, susceptibility to, 1; Holoprosencephaly 7. Last evaluated: 2023-10-11. Review status: criteria provided, single submitter. Criteria: ACMG Guidelines, 2015. Collection method: clinical testing. Allele origin: germline. Affected: yes.

KCCC/NGS Laboratory, Kuwait Cancer Control Center
Classification: Benign for Basal cell nevus syndrome 1. Last evaluated: 2023-07-07. Review status: criteria provided, single submitter. Criteria: ACMG Guidelines, 2015. Collection method: clinical testing. Allele origin: germline. Affected: yes.

Women's Health and Genetics/Laboratory Corporation of America, LabCorp
Classification: Benign. Last evaluated: 2022-06-23. Review status: criteria provided, single submitter. Criteria: LabCorp Variant Classification Summary - May 2015. Collection method: clinical testing. Allele origin: germline.

Illumina Laboratory Services, Illumina
Classification: Benign for Holoprosencephaly 7. Last evaluated: 2018-01-13. Review status: criteria provided, single submitter. Criteria: ICSL Variant Classification Criteria 13 December 2019. Collection method: clinical testing. Allele origin: germline.
Comment: This variant was observed in the ICSL laboratory as part of a predisposition screen in an ostensibly healthy population. It had not been previously curated by ICSL or reported in the Human Gene Mutation Database (HGMD: prior to June 1st, 2018), and was therefore a candidate for classification through an automated scoring system. Utilizing variant allele frequency, disease prevalence and penetrance estimates, and inheritance mode, an automated score was calculated to assess if this variant is too frequent to cause the disease. Based on the score and internal cut-off values, a variant classified as benign is not then subjected to further curation. The score for this variant resulted in a classification of benign for this disease.

Illumina Laboratory Services, Illumina
Classification: Benign for Basal cell nevus syndrome 1. Last evaluated: 2018-01-13. Review status: criteria provided, single submitter. Criteria: ICSL Variant Classification Criteria 13 December 2019. Collection method: clinical testing. Allele origin: germline.
Comment: the same text as in the submission from Illumina Laboratory Services, Illumina above.

Ambry Genetics
Classification: Benign for Hereditary cancer-predisposing syndrome. Last evaluated: 2017-03-14. Review status: criteria provided, single submitter. Criteria: Ambry Variant Classification Scheme 2023. Collection method: clinical testing. Allele origin: germline.

GeneDx
Classification: Benign. Last evaluated: 2016-04-20. Review status: criteria provided, single submitter. Criteria: GeneDx Variant Classification (06012015). Collection method: clinical testing. Allele origin: germline. Affected: yes.
Comment: This variant is considered likely benign or benign based on one or more of the following criteria: it is a conservative change, it occurs at a poorly conserved position in the protein, it is predicted to be benign by multiple in silico algorithms, and/or has population frequency not consistent with disease.

Genetic Services Laboratory, University of Chicago
Classification: Likely benign. Last evaluated: 2015-07-02. Review status: criteria provided, single submitter. Criteria: ACMG Guidelines, 2015. Collection method: clinical testing. Allele origin: germline.

PreventionGenetics, part of Exact Sciences
Classification: Benign. Review status: criteria provided, single submitter. Criteria: ACMG Guidelines, 2015. Collection method: clinical testing. Allele origin: germline.

Genome Diagnostics Laboratory, Amsterdam University Medical Center
Classification: Benign. Review status: no assertion criteria provided. Collection method: clinical testing. Allele origin: germline. Affected: yes. Study: VKGL Data-share Consensus. Not counted in ClinVar's aggregate classification.

Laboratory of Diagnostic Genome Analysis, Leiden University Medical Center (LUMC)
Classification: Benign. Review status: no assertion criteria provided. Collection method: clinical testing. Allele origin: germline. Affected: yes. Study: VKGL Data-share Consensus. Not counted in ClinVar's aggregate classification.

NM_000264.5(PTCH1):c.3387C>T (p.Gly1129=)

Gene: PTCH1 (patched 1; minus strand). Cytogenetic location: 9q22.32.
Variant type: single nucleotide variant.
Coding change: c.3387C>T on transcript NM_000264.5 (MANE Select); coding-DNA position 3387, C replaced by T.
Protein change: p.Gly1129=; no amino-acid change (glycine 1129 retained).
Molecular consequence: synonymous variant. On other transcripts: non-coding transcript variant (1).
Genome position (GRCh38, 1-based): chr9:95,453,540, G>A on the plus strand (C>T on the coding strand, the complement: PTCH1 is on the minus strand). VCF-style: chr9-95453540-G-A. GRCh37 (hg19) VCF-style: chr9-98215822-G-A.
Other names: c.3189C>T, p.Gly1063= (NM_001083602.3); c.3384C>T, p.Gly1128= (NM_001083603.3); c.2934C>T, p.Gly978= (NM_001083604.3, NM_001083605.3, NM_001083606.3 and 1 more transcripts); c.3231C>T, p.Gly1077= (NM_001354918.2).
Identifiers: ClinVar variation 135890 (VCV000135890.33), dbSNP rs28446339, ClinGen allele CA205390.